The following is an entry in ClinVar:

NM_000540.3(RYR1):c.3381+5del

Gene: RYR1 (ryanodine receptor 1; plus strand). Cytogenetic location: 19q13.2.
Variant type: Deletion.
Coding change: c.3381+5del on transcript NM_000540.3 (MANE Select); 5 bases into the intron after coding-DNA position 3381, one base deleted (G; older notation c.3381+5delG).
Molecular consequence: intron variant.
Genome position (GRCh38, 1-based): chr19:38,467,817, G deleted; the last of 3 consecutive G bases (chr19:38,467,815-38,467,817); deleting any one gives the same sequence. VCF-style (leftmost placement, unchanged base first): chr19-38467814-TG-T. GRCh37 (hg19) VCF-style: chr19-38958454-TG-T.
Other names: c.3381+5del (NM_001042723.2).
Identifiers: ClinVar variation 2761564 (VCV002761564.3), dbSNP rs2514103162, ClinGen allele CA2576770619.

ClinVar aggregate classification (germline): Uncertain significance (1 of 4 stars; one submission).

Conditions:
RYR1-related disorder. Also called: RYR1-related condition; RYR1-related disorders. Identifiers: MedGen CN239331.

Submission:

Labcorp Genetics (formerly Invitae), Labcorp
Classification: Uncertain significance for RYR1-related disorder. Last evaluated: 2023-09-19. Review status: criteria provided, single submitter. Criteria: Invitae Variant Classification Sherloc (09022015). Collection method: clinical testing. Allele origin: germline.
Comment: In summary, the available evidence is currently insufficient to determine the role of this variant in disease. Therefore, it has been classified as a Variant of Uncertain Significance. Variants that disrupt the consensus splice site are a relatively common cause of aberrant splicing (PMID: 17576681, 9536098). Algorithms developed to predict the effect of sequence changes on RNA splicing suggest that this variant may disrupt the consensus splice site. This variant has not been reported in the literature in individuals affected with RYR1-related conditions. This variant is not present in population databases (gnomAD no frequency). This sequence change falls in intron 25 of the RYR1 gene. It does not directly change the encoded amino acid sequence of the RYR1 protein. It affects a nucleotide within the consensus splice site.

Literature cited by the submitters: PubMed 17576681; PubMed 9536098.